The following is an entry in ClinVar:

NM_001159699.2(FHL1):c.457G>A (p.Gly153Arg)

Gene: FHL1 (four and a half LIM domains 1; plus strand). Cytogenetic location: Xq26.3.
Variant type: single nucleotide variant.
Coding change: c.457G>A on transcript NM_001159699.2 (MANE Select); coding-DNA position 457, G replaced by A.
Protein change: p.Gly153Arg; replaces glycine 153 with arginine.
Molecular consequence: missense variant. On other transcripts: non-coding transcript variant (1).
Genome position (GRCh38, 1-based): chrX:136,207,869, G>A. VCF-style: chrX-136207869-G-A. GRCh37 (hg19) VCF-style: chrX-135290028-G-A.
Other names: c.409G>A, p.Gly137Arg (NM_001159700.2, NM_001159702.3, NM_001159703.2 and 9 more transcripts); c.496G>A, p.Gly166Arg (NM_001159701.2); c.457G>A, p.Gly153Arg (NM_001330659.2); short protein forms G137R, G153R, G166R.
Identifiers: ClinVar variation 1023616 (VCV001023616.11), dbSNP rs191071512, ClinGen allele CA10525012.

ClinVar aggregate classification (germline): Uncertain significance. Review status: criteria provided, multiple submitters, no conflicts (2 of 4 stars). 2 submissions from 2 submitters: Uncertain significance (2). Last evaluated 2024-05-22.

Conditions:
X-linked myopathy with postural muscle atrophy. Also called: FHL1-Related Emery-Dreifuss Muscular Dystrophy, X-Linked. Identifiers: Orphanet 178461, MedGen C2678055, MONDO:0010401, OMIM 300696.

Allele frequency attached by ClinVar (database versions not stated): TOPMed 0.00001; gnomAD 0.00002; 1000 Genomes Project 30x 0.00021; 1000 Genomes Project 0.00026; gnomAD exomes below 0.00001 and 0.00001; ExAC 0.00001.

Submissions (2):

Labcorp Genetics (formerly Invitae), Labcorp
Classification: Uncertain significance for X-linked myopathy with postural muscle atrophy. Last evaluated: 2024-05-22. Review status: criteria provided, single submitter. Criteria: Invitae Variant Classification Sherloc (09022015). Collection method: clinical testing. Allele origin: germline.
Comment: This sequence change replaces glycine, which is neutral and non-polar, with arginine, which is basic and polar, at codon 137 of the FHL1 protein (p.Gly137Arg). This variant is present in population databases (rs191071512, gnomAD 0.008%). This variant has not been reported in the literature in individuals affected with FHL1-related conditions. ClinVar contains an entry for this variant (Variation ID: 1023616). An algorithm developed to predict the effect of missense changes on protein structure and function (PolyPhen-2) suggests that this variant is likely to be disruptive. In summary, the available evidence is currently insufficient to determine the role of this variant in disease. Therefore, it has been classified as a Variant of Uncertain Significance.

GeneDx
Classification: Uncertain significance. Last evaluated: 2019-04-26. Review status: criteria provided, single submitter. Criteria: GeneDx Variant Classification Process June 2021. Collection method: clinical testing. Allele origin: germline. Affected: yes.
Comment: Has not been previously reported as pathogenic or benign to our knowledge; Not observed at a significant frequency in large population cohorts (Lek et al., 2016); In silico analysis, which includes protein predictors and evolutionary conservation, supports a deleterious effect; This variant is associated with the following publications: (PMID: 18274675)